The following is an entry in ClinVar:

NM_000038.6(APC):c.3725A>G (p.Gln1242Arg)

Gene: APC (APC regulator of Wnt signaling pathway; plus strand). Cytogenetic location: 5q22.2.
Variant type: single nucleotide variant.
Coding change: c.3725A>G on transcript NM_000038.6 (MANE Select); coding-DNA position 3725, A replaced by G.
Protein change: p.Gln1242Arg; replaces glutamine 1242 with arginine.
Molecular consequence: missense variant.
Genome position (GRCh38, 1-based): chr5:112,839,319, A>G. VCF-style: chr5-112839319-A-G. GRCh37 (hg19) VCF-style: chr5-112175016-A-G.
Other names: c.3671A>G, p.Gln1224Arg (NM_001127511.3); c.3641A>G, p.Gln1214Arg (NM_001354899.2); c.3602A>G, p.Gln1201Arg (NM_001354900.2); c.3755A>G, p.Gln1252Arg (NM_001354897.2); c.3650A>G, p.Gln1217Arg (NM_001354898.2); c.3725A>G, p.Gln1242Arg (NM_001354895.2, NM_001127510.3); c.3779A>G, p.Gln1260Arg (NM_001354896.2); c.3548A>G, p.Gln1183Arg (NM_001354901.2); and 5 more; short protein forms Q1224R, Q1242R, Q1201R, Q1217R, Q1116R, Q1141R, Q1151R, Q1214R.
Identifiers: ClinVar variation 489445 (VCV000489445.16), dbSNP rs1554085257, ClinGen allele CA16029507.

ClinVar aggregate classification (germline): Uncertain significance. Review status: criteria provided, multiple submitters, no conflicts (2 of 4 stars). 4 submissions from 4 submitters: Uncertain significance (4). Last evaluated 2025-12-10.

Conditions:
Familial adenomatous polyposis 1 (FAP1). Also called: POLYPOSIS, ADENOMATOUS INTESTINAL; FAMILIAL ADENOMATOUS POLYPOSIS 1, ATTENUATED. Identifiers: MedGen C2713442, MONDO:0021056, OMIM 175100. Disease mechanism: loss of function.
Hereditary cancer-predisposing syndrome. Also called: Hereditary Cancer Syndrome; Neoplastic Syndromes, Hereditary; Tumor predisposition; Hereditary neoplastic syndrome. Identifiers: Orphanet 140162, MedGen C0027672, MeSH D009386, MONDO:0015356.

Submissions (4):

Labcorp Genetics (formerly Invitae), Labcorp
Classification: Uncertain significance for Familial adenomatous polyposis 1. Last evaluated: 2025-12-10. Review status: criteria provided, single submitter. Criteria: Invitae Variant Classification Sherloc (09022015). Collection method: clinical testing. Allele origin: germline.
Comment: This sequence change replaces glutamine, which is neutral and polar, with arginine, which is basic and polar, at codon 1242 of the APC protein (p.Gln1242Arg). This variant is not present in population databases (gnomAD no frequency). This variant has not been reported in the literature in individuals affected with APC-related conditions. ClinVar contains an entry for this variant (Variation ID: 489445). Invitae Evidence Modeling of protein sequence and biophysical properties (such as structural, functional, and spatial information, amino acid conservation, physicochemical variation, residue mobility, and thermodynamic stability) indicates that this missense variant is not expected to disrupt APC protein function with a negative predictive value of 95%. In summary, the available evidence is currently insufficient to determine the role of this variant in disease. Therefore, it has been classified as a Variant of Uncertain Significance.

Ambry Genetics
Classification: Uncertain significance for Hereditary cancer-predisposing syndrome. Last evaluated: 2024-08-20. Review status: criteria provided, single submitter. Criteria: Ambry Variant Classification Scheme 2023. Collection method: clinical testing. Allele origin: germline.
Comment: The p.Q1242R variant (also known as c.3725A>G), located in coding exon 15 of the APC gene, results from an A to G substitution at nucleotide position 3725. The glutamine at codon 1242 is replaced by arginine, an amino acid with highly similar properties. This amino acid position is not well conserved in available vertebrate species. In addition, in silico predictors for this gene do not accurately predict pathogenicity. Missense alterations in APC are not a common cause of disease (Spier I et al. Genet Med. 2024 Feb;26(2):100992). Since supporting evidence is limited at this time, the clinical significance of this alteration remains unclear.

Color Diagnostics, LLC DBA Color Health
Classification: Uncertain significance for Hereditary cancer-predisposing syndrome. Last evaluated: 2023-12-05. Review status: criteria provided, single submitter. Criteria: ACMG Guidelines, 2015. Collection method: clinical testing. Allele origin: germline.
Comment: This missense variant replaces glutamine with arginine at codon 1242 of the APC protein. Computational prediction suggests that this variant may not impact protein structure and function (internally defined REVEL score threshold <= 0.5, PMID: 27666373). To our knowledge, functional studies have not been reported for this variant. This variant has not been reported in individuals affected with APC-related disorders in the literature. This variant has not been identified in the general population by the Genome Aggregation Database (gnomAD). The available evidence is insufficient to determine the role of this variant in disease conclusively. Therefore, this variant is classified as a Variant of Uncertain Significance.

GeneDx
Classification: Uncertain significance. Last evaluated: 2021-04-19. Review status: criteria provided, single submitter. Criteria: GeneDx Variant Classification Process June 2021. Collection method: clinical testing. Allele origin: germline. Affected: yes.
Comment: Not observed in large population cohorts (Lek 2016); In silico analysis supports that this missense variant does not alter protein structure/function; Has not been previously published as pathogenic or benign to our knowledge